The following is an entry in ClinVar:

ClinVar aggregate classification (germline): Uncertain significance (1 of 4 stars; one submission).

Conditions:
Joubert syndrome. Also called: CEREBELLOPARENCHYMAL DISORDER IV; JOUBERT-BOLTSHAUSER SYNDROME; Familial aplasia of the vermis. Identifiers: Orphanet 475, MedGen C5979921, MONDO:0018772.
Meckel-Gruber syndrome. Also called: DYSENCEPHALIA SPLANCHNOCYSTICA; GRUBER SYNDROME; Dysencephalia splachnocystica. Identifiers: Orphanet 564, MedGen C0265215, MONDO:0018921.

Submission:

Labcorp Genetics (formerly Invitae), Labcorp
Classification: Uncertain significance for Joubert syndrome; Meckel-Gruber syndrome. Last evaluated: 2024-12-16. Review status: criteria provided, single submitter. Criteria: Invitae Variant Classification Sherloc (09022015). Collection method: clinical testing. Allele origin: germline.
Comment: This sequence change replaces glycine, which is neutral and non-polar, with arginine, which is basic and polar, at codon 1105 of the RPGRIP1L protein (p.Gly1105Arg). This variant is not present in population databases (gnomAD no frequency). This variant has not been reported in the literature in individuals affected with RPGRIP1L-related conditions. ClinVar contains an entry for this variant (Variation ID: 1407434). An algorithm developed to predict the effect of missense changes on protein structure and function outputs the following: PolyPhen-2: "Benign". The arginine amino acid residue is found in multiple mammalian species, which suggests that this missense change does not adversely affect protein function. In summary, the available evidence is currently insufficient to determine the role of this variant in disease. Therefore, it has been classified as a Variant of Uncertain Significance.

NM_015272.5(RPGRIP1L):c.3313G>C (p.Gly1105Arg)

Gene: RPGRIP1L (RPGRIP1 like; minus strand). Cytogenetic location: 16q12.2.
Variant type: single nucleotide variant.
Coding change: c.3313G>C on transcript NM_015272.5 (MANE Select); coding-DNA position 3313, G replaced by C.
Protein change: p.Gly1105Arg; replaces glycine 1105 with arginine.
Molecular consequence: missense variant. On other transcripts: intron variant (2).
Genome position (GRCh38, 1-based): chr16:53,622,338, C>G on the plus strand (G>C on the coding strand, the complement: RPGRIP1L is on the minus strand). VCF-style: chr16-53622338-C-G. GRCh37 (hg19) VCF-style: chr16-53656250-C-G.
Other names: c.3211G>C, p.Gly1071Arg (NM_001330538.2); c.3193-3130G>C (NM_001127897.4); c.3295-3130G>C (NM_001308334.3); short protein forms G1071R, G1105R.
Identifiers: ClinVar variation 1407434 (VCV001407434.6), dbSNP rs528501990, ClinGen allele CA395924186.
Genomic context (GRCh38, chr16:53,622,338, plus strand): 5'-CGCTGGAACCCGGGAGGCGGAAGTTGCAGTGAGCTGAGATCGCGCTACTGCACCCCAGCC[C>G]GGGAGACAATGCGAGACTCTGTCTCAAAAAAAAAAAAAAAATCTTAAGATTAAGAAGCAC-3'
Protein context (NP_056087.2, residues 1095-1115): NIKQSLALSP[Gly1105Arg]LGCSSAISAH